The following is an entry in ClinVar:

ClinVar aggregate classification (germline): Benign/Likely benign. Review status: criteria provided, multiple submitters, no conflicts (2 of 4 stars). 5 submissions from 5 submitters: Benign (2); Likely benign (2). 1 of the submissions does not count toward it. Last evaluated 2025-10-09.

Conditions:
PXDN-related disorder. Also called: PXDN-related condition.
Anterior segment dysgenesis 7 (ASGD7). Also called: Anterior segment dysgenesis 7, with sclerocornea; SCLEROCORNEA WITH OTHER OCULAR ANOMALIES. Identifiers: Orphanet 289499, MedGen C3151617, MONDO:0010015, OMIM 269400.

Allele frequency attached by ClinVar (database versions not stated): ESP Exome Variant Server 0.00008; 1000 Genomes Project 0.00040; TOPMed 0.00041; 1000 Genomes Project 30x 0.00062; gnomAD 0.00064 and 0.00066; gnomAD exomes 0.00075; ExAC 0.00188.
gnomAD v4.1: 1,146 of 1,594,342 alleles (0.072%); highest among the groups gnomAD compares: Non-Finnish European, 0.082%; 3 homozygotes.

Submissions (5):

Labcorp Genetics (formerly Invitae), Labcorp
Classification: Benign for Anterior segment dysgenesis 7. Last evaluated: 2025-10-09. Review status: criteria provided, single submitter. Criteria: Invitae Variant Classification Sherloc (09022015). Collection method: clinical testing. Allele origin: germline.

Laboratory of Genetics, Children's Clinical University Hospital Latvia
Classification: Benign. Last evaluated: 2025-02-16. Review status: criteria provided, single submitter. Criteria: ACMG Guidelines, 2015. Collection method: clinical testing. Allele origin: germline. Affected: yes.

CeGaT Center for Human Genetics Tuebingen
Classification: Likely benign. Last evaluated: 2025-02-01. Review status: criteria provided, single submitter. Criteria: CeGaT Center For Human Genetics Tuebingen Variant Classification Criteria Version 2. Collection method: clinical testing. Allele origin: germline. Affected: yes. Observed: 1 variant allele.
Comment: PXDN: BP4, BP7

Blueprint Genetics
Classification: Likely benign. Last evaluated: 2024-11-21. Review status: criteria provided, single submitter. Criteria: ACMG Guidelines, 2015. Collection method: clinical testing. Allele origin: germline.

PreventionGenetics, part of Exact Sciences
Classification: Likely benign for PXDN-related condition. Last evaluated: 2019-06-04. Review status: no assertion criteria provided. Collection method: clinical testing. Allele origin: germline. Not counted in ClinVar's aggregate classification.
Comment: This variant is classified as likely benign based on ACMG/AMP sequence variant interpretation guidelines (Richards et al. 2015 PMID: 25741868, with internal and published modifications).

NM_012293.3(PXDN):c.1656C>T (p.Pro552=)

Gene: PXDN (peroxidasin; minus strand). Cytogenetic location: 2p25.3.
Variant type: single nucleotide variant.
Coding change: c.1656C>T on transcript NM_012293.3 (MANE Select); coding-DNA position 1656, C replaced by T.
Protein change: p.Pro552=; no amino-acid change (proline 552 retained).
Molecular consequence: synonymous variant.
Genome position (GRCh38, 1-based): chr2:1,662,096, G>A on the plus strand (C>T on the coding strand, the complement: PXDN is on the minus strand). VCF-style: chr2-1662096-G-A. GRCh37 (hg19) VCF-style: chr2-1665868-G-A.
Identifiers: ClinVar variation 772385 (VCV000772385.27), dbSNP rs200276592, ClinGen allele CA1513239.